The following is an entry in ClinVar:

ClinVar aggregate classification (germline): Uncertain significance (1 of 4 stars; one submission).

Conditions:
Anemia, nonspherocytic hemolytic, due to G6PD deficiency (CNSHA1). Also called: Class I glucose-6-phosphate dehydrogenase deficiency; Favism, susceptibility to; ANEMIA, CONGENITAL, NONSPHEROCYTIC HEMOLYTIC, 1; Hemolytic anemia due to G6PD deficiency. Identifiers: Orphanet 466026, MedGen C2720289, MONDO:0010480, OMIM 300908.

Allele frequency attached by ClinVar (database versions not stated): TOPMed 0.00001; ExAC 0.00002; gnomAD exomes 0.00005; ESP Exome Variant Server 0.00009.
gnomAD v4.1: 53 of 1,211,407 alleles (0.0044%); highest among the groups gnomAD compares: Non-Finnish European, 0.0057%; no homozygotes.

Submission:

Labcorp Genetics (formerly Invitae), Labcorp
Classification: Uncertain significance for Anemia, nonspherocytic hemolytic, due to G6PD deficiency. Last evaluated: 2022-08-29. Review status: criteria provided, single submitter. Criteria: Invitae Variant Classification Sherloc (09022015). Collection method: clinical testing. Allele origin: germline.
Comment: This sequence change replaces asparagine, which is neutral and polar, with serine, which is neutral and polar, at codon 185 of the G6PD protein (p.Asn185Ser). This variant is present in population databases (rs375741735, gnomAD 0.008%). This variant has not been reported in the literature in individuals affected with G6PD-related conditions. Algorithms developed to predict the effect of missense changes on protein structure and function (SIFT, PolyPhen-2, Align-GVGD) all suggest that this variant is likely to be tolerated. Algorithms developed to predict the effect of sequence changes on RNA splicing suggest that this variant may create or strengthen a splice site. In summary, the available evidence is currently insufficient to determine the role of this variant in disease. Therefore, it has been classified as a Variant of Uncertain Significance.

NM_001360016.2(G6PD):c.554A>G (p.Asn185Ser)

Gene: G6PD (glucose-6-phosphate dehydrogenase; minus strand). Cytogenetic location: Xq28.
Variant type: single nucleotide variant.
Coding change: c.554A>G on transcript NM_001360016.2 (MANE Select); coding-DNA position 554, A replaced by G.
Protein change: p.Asn185Ser; replaces asparagine 185 with serine.
Molecular consequence: missense variant.
Genome position (GRCh38, 1-based): chrX:154,534,428, T>C on the plus strand (A>G on the coding strand, the complement: G6PD is on the minus strand). VCF-style: chrX-154534428-T-C. GRCh37 (hg19) VCF-style: chrX-153762643-T-C.
Other names: c.644A>G, p.Asn215Ser (NM_000402.4); c.554A>G, p.Asn185Ser (NM_001042351.3); short protein forms N215S, N185S.
Identifiers: ClinVar variation 2139830 (VCV002139830.1), dbSNP rs375741735, ClinGen allele CA10566218.
Genomic context (GRCh38, chrX:154,534,428, plus strand): 5'-TTGCCCAGGTAGTGGTCGATGCGGTAGATCTGGTCCTCACGGAACAGGGAGGAGATGTGG[T>C]TGGACAGCCGGTCAGAGCTCTGCAGGTCCCTCCCGAAGGGCTTCTCCACGATGATGCGGT-3'
Protein context (NP_001346945.1, residues 175-195): RDLQSSDRLS[Asn185Ser]HISSLFREDQ